The following is an entry in ClinVar:

NM_001267550.2(TTN):c.95038A>G (p.Arg31680Gly)

Genes: TTN (titin; minus strand), TTN-AS1 (TTN antisense RNA 1; plus strand). Cytogenetic location: 2q31.2.
Variant type: single nucleotide variant.
Coding change: c.95038A>G on transcript NM_001267550.2 (MANE Select); coding-DNA position 95038, A replaced by G.
Protein change: p.Arg31680Gly; replaces arginine 31680 with glycine.
Molecular consequence: missense variant.
Genome position (GRCh38, 1-based): chr2:178,546,293, T>C on the plus strand (A>G on the coding strand, the complement: TTN is on the minus strand). VCF-style: chr2-178546293-T-C. GRCh37 (hg19) VCF-style: chr2-179411020-T-C.
Other names: c.90115A>G, p.Arg30039Gly (NM_001256850.1); c.67843A>G, p.Arg22615Gly (NM_003319.4); c.87334A>G, p.Arg29112Gly (NM_133378.4); c.68218A>G, p.Arg22740Gly (NM_133432.3); c.68419A>G, p.Arg22807Gly (NM_133437.4); short protein forms R22615G, R22740G, R22807G, R29112G, R30039G, R31680G.
Identifiers: ClinVar variation 2636955 (VCV002636955.1), dbSNP rs760992930, ClinGen allele CA1987028.

ClinVar aggregate classification (germline): Uncertain significance (1 of 4 stars; one submission).

Conditions:
TTN-related disorder. Also called: TTN-related condition; TTN-related disease; TTN-related disorders.

Allele frequency attached by ClinVar (database versions not stated): ExAC 0.00001.

Submission:

PreventionGenetics, part of Exact Sciences
Classification: Uncertain significance for TTN-related condition. Last evaluated: 2022-09-26. Review status: criteria provided, single submitter. Criteria: ACMG Guidelines, 2015. Collection method: clinical testing. Allele origin: germline.
Comment: The TTN c.95038A>G variant is predicted to result in the amino acid substitution p.Arg31680Gly. To our knowledge, this variant has not been reported in the literature. This variant is reported in 0.00089% of alleles (1 in 248810) in individuals of European (Non-Finnish) descent in gnomAD. At this time, the clinical significance of this variant is uncertain due to the absence of conclusive functional and genetic evidence.